The following is an entry in ClinVar:

ClinVar aggregate classification (germline): Uncertain significance. Review status: criteria provided, multiple submitters, no conflicts (2 of 4 stars). 2 submissions from 2 submitters: Uncertain significance (2). Last evaluated 2024-06-18.

Conditions:
Hennekam lymphangiectasia-lymphedema syndrome 2 (HKLLS2). Identifiers: Orphanet 2136, MedGen C4014939, MONDO:0014454, OMIM 616006.
Van Maldergem syndrome 2 (VMLDS2). Identifiers: Orphanet 314679, MedGen C3809875, MONDO:0014242, OMIM 615546.

gnomAD v4.1: 1 of 1,614,186 alleles (0.000062%); highest among the groups gnomAD compares: Non-Finnish European, 0.000085%; no homozygotes.

Submissions (2):

Fulgent Genetics
Classification: Uncertain significance for Van Maldergem syndrome 2; Hennekam lymphangiectasia-lymphedema syndrome 2. Last evaluated: 2024-06-18. Review status: criteria provided, single submitter. Criteria: ACMG Guidelines, 2015. Collection method: clinical testing. Allele origin: germline.

Labcorp Genetics (formerly Invitae), Labcorp
Classification: Uncertain significance. Last evaluated: 2022-05-22. Review status: criteria provided, single submitter. Criteria: Invitae Variant Classification Sherloc (09022015). Collection method: clinical testing. Allele origin: germline.
Comment: In summary, the available evidence is currently insufficient to determine the role of this variant in disease. Therefore, it has been classified as a Variant of Uncertain Significance. Advanced modeling of protein sequence and biophysical properties (such as structural, functional, and spatial information, amino acid conservation, physicochemical variation, residue mobility, and thermodynamic stability) performed at Invitae indicates that this missense variant is not expected to disrupt FAT4 protein function. This variant has not been reported in the literature in individuals affected with FAT4-related conditions. This variant is not present in population databases (gnomAD no frequency). This sequence change replaces leucine, which is neutral and non-polar, with valine, which is neutral and non-polar, at codon 506 of the FAT4 protein (p.Leu506Val).

NM_001291303.3(FAT4):c.1516C>G (p.Leu506Val)

Gene: FAT4 (FAT atypical cadherin 4; plus strand). Cytogenetic location: 4q28.1.
Variant type: single nucleotide variant.
Coding change: c.1516C>G on transcript NM_001291303.3 (MANE Select); coding-DNA position 1516, C replaced by G.
Protein change: p.Leu506Val; replaces leucine 506 with valine.
Molecular consequence: missense variant.
Genome position (GRCh38, 1-based): chr4:125,317,927, C>G. VCF-style: chr4-125317927-C-G. GRCh37 (hg19) VCF-style: chr4-126239082-C-G.
Other names: c.1516C>G, p.Leu506Val (NM_001291285.3, NM_024582.6); c.1516C>G (NM_024582.5); short protein forms L506V.
Identifiers: ClinVar variation 1998027 (VCV001998027.5), dbSNP rs2530428554, ClinGen allele CA358118070.